The following is an entry in ClinVar:

ClinVar aggregate classification (germline): Benign/Likely benign. Review status: criteria provided, multiple submitters, no conflicts (2 of 4 stars). 3 submissions from 3 submitters: Benign (1); Likely benign (2). Last evaluated 2025-05-16.

Conditions:
Tuberous sclerosis 2 (TSC2). Identifiers: Orphanet 805, MedGen C1860707, MONDO:0013199, OMIM 613254.
Hereditary cancer-predisposing syndrome. Also called: Neoplastic Syndromes, Hereditary; Hereditary Cancer Syndrome; Hereditary neoplastic syndrome; Tumor predisposition. Identifiers: Orphanet 140162, MedGen C0027672, MeSH D009386, MONDO:0015356.

Submissions (3):

Myriad Genetics, Inc.
Classification: Benign for Tuberous sclerosis 2. Last evaluated: 2025-05-16. Review status: criteria provided, single submitter. Criteria: Myriad Autosomal Dominant, Autosomal Recessive and X-Linked Classification Criteria (2023). Collection method: clinical testing. Allele origin: unknown.
Comment: This variant is considered benign. This variant is a silent/synonymous amino acid change and it is not expected to impact splicing.

Labcorp Genetics (formerly Invitae), Labcorp
Classification: Likely benign for Tuberous sclerosis 2. Last evaluated: 2024-12-28. Review status: criteria provided, single submitter. Criteria: Invitae Variant Classification Sherloc (09022015). Collection method: clinical testing. Allele origin: germline.

Ambry Genetics
Classification: Likely benign for Hereditary cancer-predisposing syndrome. Last evaluated: 2023-02-04. Review status: criteria provided, single submitter. Criteria: Ambry Variant Classification Scheme 2023. Collection method: clinical testing. Allele origin: germline.

NM_000548.5(TSC2):c.1863G>T (p.Leu621=)

Gene: TSC2 (TSC complex subunit 2; plus strand). Cytogenetic location: 16p13.3.
Variant type: single nucleotide variant.
Coding change: c.1863G>T on transcript NM_000548.5 (MANE Select); coding-DNA position 1863, G replaced by T.
Protein change: p.Leu621=; no amino-acid change (leucine 621 retained).
Molecular consequence: synonymous variant.
Genome position (GRCh38, 1-based): chr16:2,071,533, G>T. VCF-style: chr16-2071533-G-T. GRCh37 (hg19) VCF-style: chr16-2121534-G-T.
Other names: c.1863G>T (NM_000548.3); c.1863G>T, p.Leu621= (NM_001077183.3, NM_001114382.3, NM_001363528.2 and 3 more transcripts); c.1752G>T, p.Leu584= (NM_001318827.2); c.1716G>T, p.Leu572= (NM_001318829.2); c.1263G>T, p.Leu421= (NM_001318831.2); c.1896G>T, p.Leu632= (NM_001318832.2).
Identifiers: ClinVar variation 1119195 (VCV001119195.11), dbSNP rs1485599658, ClinGen allele CA492950285.
Genomic context (GRCh38, chr16:2,071,533, plus strand): 5'-AGCTTGGCTCTGGCTTTCACCATCCTCTTCCTGACAGGCCTTTGACTTCCTGTTGCTGCT[G>T]CGGGCCGACTCACTGCACCGCCTGGGCCTGCCCAACAAGGATGGAGTCGTGCGGTTCAGC-3'
Protein context (NP_000539.2, residues 611-631): RLQAFDFLLL[Leu621=]RADSLHRLGL